The following is an entry in ClinVar:

NM_004655.4(AXIN2):c.772A>G (p.Thr258Ala)

Gene: AXIN2 (axin 2; minus strand). Cytogenetic location: 17q24.1.
Variant type: single nucleotide variant.
Coding change: c.772A>G on transcript NM_004655.4 (MANE Select); coding-DNA position 772, A replaced by G.
Protein change: p.Thr258Ala; replaces threonine 258 with alanine.
Molecular consequence: missense variant.
Genome position (GRCh38, 1-based): chr17:65,557,849, T>C on the plus strand (A>G on the coding strand, the complement: AXIN2 is on the minus strand). VCF-style: chr17-65557849-T-C. GRCh37 (hg19) VCF-style: chr17-63553967-T-C.
Other names: c.772A>G (LRG_296t1); c.772A>G, p.Thr258Ala (NM_001363813.1); short protein forms T258A.
Identifiers: ClinVar variation 664066 (VCV000664066.12), dbSNP rs1183931601, ClinGen allele CA400680309.

ClinVar aggregate classification (germline): Uncertain significance. Review status: criteria provided, multiple submitters, no conflicts (2 of 4 stars). 2 submissions from 2 submitters: Uncertain significance (2). Last evaluated 2025-10-30.

Conditions:
Hereditary cancer-predisposing syndrome. Also called: Tumor predisposition; Hereditary neoplastic syndrome; Neoplastic Syndromes, Hereditary; Hereditary Cancer Syndrome. Identifiers: Orphanet 140162, MedGen C0027672, MeSH D009386, MONDO:0015356.
Oligodontia-cancer predisposition syndrome. Also called: TOOTH AGENESIS-COLORECTAL CANCER SYNDROME. Identifiers: Orphanet 300576, MedGen C1837750, MONDO:0012075, OMIM 608615. Disease mechanism: loss of function.

Allele frequency attached by ClinVar (database versions not stated): gnomAD exomes below 0.00001.
gnomAD v4.1: 1 of 1,614,194 alleles (0.000062%); highest among the groups gnomAD compares: Non-Finnish European, 0.000085%; no homozygotes.

Submissions (2):

Ambry Genetics
Classification: Uncertain significance for Hereditary cancer-predisposing syndrome. Last evaluated: 2025-10-30. Review status: criteria provided, single submitter. Criteria: Ambry Variant Classification Scheme 2023. Collection method: clinical testing. Allele origin: germline.
Comment: The p.T258A variant (also known as c.772A>G), located in coding exon 1 of the AXIN2 gene, results from an A to G substitution at nucleotide position 772. The threonine at codon 258 is replaced by alanine, an amino acid with similar properties. This amino acid position is conserved. In addition, this alteration is predicted to be tolerated by in silico analysis. Since supporting evidence is limited at this time, the clinical significance of this alteration remains unclear.

Labcorp Genetics (formerly Invitae), Labcorp
Classification: Uncertain significance for Oligodontia-cancer predisposition syndrome. Last evaluated: 2024-09-13. Review status: criteria provided, single submitter. Criteria: Invitae Variant Classification Sherloc (09022015). Collection method: clinical testing. Allele origin: germline.
Comment: This sequence change replaces threonine, which is neutral and polar, with alanine, which is neutral and non-polar, at codon 258 of the AXIN2 protein (p.Thr258Ala). The frequency data for this variant in the population databases is considered unreliable, as metrics indicate poor data quality at this position in the gnomAD database. This variant has not been reported in the literature in individuals affected with AXIN2-related conditions. ClinVar contains an entry for this variant (Variation ID: 664066). Invitae Evidence Modeling of protein sequence and biophysical properties (such as structural, functional, and spatial information, amino acid conservation, physicochemical variation, residue mobility, and thermodynamic stability) indicates that this missense variant is not expected to disrupt AXIN2 protein function with a negative predictive value of 80%. In summary, the available evidence is currently insufficient to determine the role of this variant in disease. Therefore, it has been classified as a Variant of Uncertain Significance.